The following is an entry in ClinVar:

ClinVar aggregate classification (germline): Likely pathogenic (1 of 4 stars; one submission).

gnomAD v4.1: 1 of 1,612,484 alleles (0.000062%); no homozygotes.

Submission:

Labcorp Genetics (formerly Invitae), Labcorp
Classification: Likely pathogenic. Last evaluated: 2021-07-27. Review status: criteria provided, single submitter. Criteria: Invitae Variant Classification Sherloc (09022015). Collection method: clinical testing. Allele origin: germline.
Comment: This sequence change affects an acceptor splice site in intron 1 of the INSR gene. It is expected to disrupt RNA splicing. Variants that disrupt the donor or acceptor splice site typically lead to a loss of protein function (PMID: 16199547), and loss-of-function variants in INSR are known to be pathogenic (PMID: 12023989, 26160152). This variant is not present in population databases (ExAC no frequency). This variant has not been reported in the literature in individuals affected with INSR-related conditions. Algorithms developed to predict the effect of sequence changes on RNA splicing suggest that this variant may create or strengthen a splice site. In summary, the currently available evidence indicates that the variant is pathogenic, but additional data are needed to prove that conclusively. Therefore, this variant has been classified as Likely Pathogenic.

Literature cited by the submitters: PubMed 16199547; PubMed 12023989; PubMed 26160152.

NM_000208.4(INSR):c.101-2A>G

Gene: INSR (insulin receptor; minus strand). Cytogenetic location: 19p13.2.
Variant type: single nucleotide variant.
Coding change: c.101-2A>G on transcript NM_000208.4 (MANE Select); the canonical splice acceptor site of the intron before coding-DNA position 101, A replaced by G.
Molecular consequence: splice acceptor variant.
Genome position (GRCh38, 1-based): chr19:7,267,898, T>C on the plus strand (A>G on the coding strand, the complement: INSR is on the minus strand). VCF-style: chr19-7267898-T-C. GRCh37 (hg19) VCF-style: chr19-7267909-T-C.
Other names: c.101-2A>G (NM_001079817.3).
Identifiers: ClinVar variation 1514178 (VCV001514178.6), dbSNP rs2145210376, ClinGen allele CA403160779.